The following is an entry in ClinVar:

NM_020911.2(PLXNA4):c.3793C>T (p.Arg1265Cys)

Gene: PLXNA4 (plexin A4; minus strand). Cytogenetic location: 7q32.3.
Variant type: single nucleotide variant.
Coding change: c.3793C>T on transcript NM_020911.2 (MANE Select); coding-DNA position 3793, C replaced by T.
Protein change: p.Arg1265Cys; replaces arginine 1265 with cysteine.
Molecular consequence: missense variant.
Genome position (GRCh38, 1-based): chr7:132,179,768, G>A on the plus strand (C>T on the coding strand, the complement: PLXNA4 is on the minus strand). VCF-style: chr7-132179768-G-A. GRCh37 (hg19) VCF-style: chr7-131864527-G-A.
Other names: c.3793C>T, p.Arg1265Cys (NM_001393897.1); short protein forms R1265C.
Identifiers: ClinVar variation 3344769 (VCV003344769.1).

ClinVar aggregate classification (germline): Uncertain significance (0 of 4 stars; one submission).

Conditions:
PLXNA4-related disorder. Also called: PLXNA4-related condition.

gnomAD v4.1: 1 of 1,614,092 alleles (0.000062%); highest among the groups gnomAD compares: Non-Finnish European, 0.000085%; no homozygotes.

Submission:

PreventionGenetics, part of Exact Sciences
Classification: Uncertain significance for PLXNA4-related condition. Last evaluated: 2024-08-07. Review status: no assertion criteria provided. Collection method: clinical testing. Allele origin: germline.
Comment: The PLXNA4 c.3793C>T variant is predicted to result in the amino acid substitution p.Arg1265Cys. To our knowledge, this variant has not been reported in the literature or in a large population database, indicating this variant is rare. At this time, the clinical significance of this variant is uncertain due to the absence of conclusive functional and genetic evidence.